The following is an entry in ClinVar:

NM_001374736.1(DST):c.20977C>G (p.Leu6993Val)

Gene: DST (dystonin; minus strand). Cytogenetic location: 6p12.1.
Variant type: single nucleotide variant.
Coding change: c.20977C>G on transcript NM_001374736.1 (MANE Select); coding-DNA position 20977, C replaced by G.
Protein change: p.Leu6993Val; replaces leucine 6993 with valine.
Molecular consequence: missense variant.
Genome position (GRCh38, 1-based): chr6:56,487,174, G>C on the plus strand (C>G on the coding strand, the complement: DST is on the minus strand). VCF-style: chr6-56487174-G-C. GRCh37 (hg19) VCF-style: chr6-56351972-G-C.
Other names: p.Leu4370Val; c.14620C>G (NM_001144769.2); c.14620C>G, p.Leu4874Val (NM_001144769.5); c.14206C>G, p.Leu4736Val (NM_001144770.2); c.20977C>G, p.Leu6993Val (NM_001374722.1); c.20017C>G, p.Leu6673Val (NM_001374729.1); c.13759C>G, p.Leu4587Val (NM_001374730.1); c.21004C>G, p.Leu7002Val (NM_001374734.1); and 2 more; short protein forms L4370V, L4587V, L4696V, L4736V, L4874V, L6673V, L6993V, L7002V.
Identifiers: ClinVar variation 1167591 (VCV001167591.13), dbSNP rs80260070, ClinGen allele CA3866610.

ClinVar aggregate classification (germline): Benign. Review status: criteria provided, multiple submitters, no conflicts (2 of 4 stars). 4 submissions from 4 submitters: Benign (3). 1 of the submissions does not count toward it. Last evaluated 2026-02-02.

Conditions:
DST-related disorder. Also called: DST-related condition; DST-related disorders.
Epidermolysis bullosa simplex 3, localized or generalized intermediate, with BP230 deficiency (EBS3). Also called: Epidermolysis bullosa simplex, autosomal recessive 2; Epidermolysis bullosa simplex due to BP230 deficiency. Identifiers: Orphanet 412181, MedGen C3809470, MONDO:0014180, OMIM 615425.
Hereditary sensory and autonomic neuropathy type 6. Also called: HSAN VI; Neuropathy, hereditary sensory and autonomic, type VI. Identifiers: Orphanet 314381, MedGen C3539003, MONDO:0013839, OMIM 614653.

Allele frequency attached by ClinVar (database versions not stated): ESP Exome Variant Server 0.00230; gnomAD 0.00880 and 0.01394; TOPMed 0.01427; ExAC 0.03192; 1000 Genomes Project 30x 0.05450; 1000 Genomes Project 0.05771.
gnomAD v4.1: 21,213 of 1,613,852 alleles (1.3%); highest among the groups gnomAD compares: East Asian, 14%; 1,090 homozygotes.

Submissions (4):

Labcorp Genetics (formerly Invitae), Labcorp
Classification: Benign for Epidermolysis bullosa simplex 3, localized or generalized intermediate, with BP230 deficiency; Hereditary sensory and autonomic neuropathy type 6. Last evaluated: 2026-02-02. Review status: criteria provided, single submitter. Criteria: Invitae Variant Classification Sherloc (09022015). Collection method: clinical testing. Allele origin: germline.

GeneDx
Classification: Benign. Last evaluated: 2021-05-20. Review status: criteria provided, single submitter. Criteria: GeneDx Variant Classification Process June 2021. Collection method: clinical testing. Allele origin: germline. Affected: yes.

Mayo Clinic Laboratories, Mayo Clinic
Classification: Benign. Last evaluated: 2016-10-28. Review status: criteria provided, single submitter. Criteria: ACMG Guidelines, 2015. Collection method: clinical testing. Allele origin: germline. Observed: 30 variant alleles.

PreventionGenetics, part of Exact Sciences
Classification: Benign for DST-related condition. Last evaluated: 2019-04-05. Review status: no assertion criteria provided. Collection method: clinical testing. Allele origin: germline. Not counted in ClinVar's aggregate classification.
Comment: This variant is classified as benign based on ACMG/AMP sequence variant interpretation guidelines (Richards et al. 2015 PMID: 25741868, with internal and published modifications).